The following is an entry in ClinVar:

NM_001367805.3(KIF23):c.2696G>C (p.Gly899Ala)

Gene: KIF23 (kinesin family member 23; plus strand). Cytogenetic location: 15q23.
Variant type: single nucleotide variant.
Coding change: c.2696G>C on transcript NM_001367805.3 (MANE Select); coding-DNA position 2696, G replaced by C.
Protein change: p.Gly899Ala; replaces glycine 899 with alanine.
Molecular consequence: missense variant. On other transcripts: non-coding transcript variant (2).
Genome position (GRCh38, 1-based): chr15:69,446,031, G>C. VCF-style: chr15-69446031-G-C. GRCh37 (hg19) VCF-style: chr15-69738370-G-C.
Other names: p.Gly885Ala; c.2072G>C, p.Gly691Ala (NM_001281301.2); c.2654G>C, p.Gly885Ala (NM_001367804.2, NM_138555.4); c.2342G>C, p.Gly781Ala (NM_004856.7); c.2654G>C (NM_138555.2); short protein forms G691A, G781A, G885A, G899A.
Identifiers: ClinVar variation 2683321 (VCV002683321.5), dbSNP rs144127110, ClinGen allele CA7635457.
Genomic context (GRCh38, chr15:69,446,031, plus strand): 5'-TATCAATGTGTAACAGTGACCTTTTCTTTTGGCTTTAGGGTGATATTTATAAAACAAGGG[G>C]TGGTGGACAATCTGTTCAGTTTACTGATATTGAGACTTTAAAGCAAGAATCACCAAATGG-3'
Protein context (NP_001354734.1, residues 889-909): LIKGDIYKTR[Gly899Ala]GGQSVQFTDI

ClinVar aggregate classification (germline): Uncertain significance. Review status: criteria provided, multiple submitters, no conflicts (2 of 4 stars). 4 submissions from 4 submitters: Uncertain significance (4). Last evaluated 2025-06-03.

Allele frequency attached by ClinVar (database versions not stated): gnomAD exomes 0.00001; ExAC 0.00007; ESP Exome Variant Server 0.00008; gnomAD 0.00018; TOPMed 0.00020.
gnomAD v4.1: 52 of 1,613,728 alleles (0.0032%); highest among the groups gnomAD compares: African/African-American, 0.061%; no homozygotes.

Submissions (4):

Ambry Genetics
Classification: Uncertain significance. Last evaluated: 2025-06-03. Review status: criteria provided, single submitter. Criteria: Ambry Variant Classification Scheme 2023. Collection method: clinical testing. Allele origin: germline.

Revvity Omics, Revvity
Classification: Uncertain significance. Last evaluated: 2024-09-20. Review status: criteria provided, single submitter. Criteria: ACMG Guidelines, 2015. Collection method: clinical testing. Allele origin: germline.

Labcorp Genetics (formerly Invitae), Labcorp
Classification: Uncertain significance. Last evaluated: 2024-09-06. Review status: criteria provided, single submitter. Criteria: Invitae Variant Classification Sherloc (09022015). Collection method: clinical testing. Allele origin: germline.
Comment: This sequence change replaces glycine, which is neutral and non-polar, with alanine, which is neutral and non-polar, at codon 885 of the KIF23 protein (p.Gly885Ala). This variant is present in population databases (rs144127110, gnomAD 0.07%), and has an allele count higher than expected for a pathogenic variant. This variant has not been reported in the literature in individuals affected with KIF23-related conditions. An algorithm developed to predict the effect of missense changes on protein structure and function (PolyPhen-2) suggests that this variant is likely to be disruptive. In summary, the available evidence is currently insufficient to determine the role of this variant in disease. Therefore, it has been classified as a Variant of Uncertain Significance.

Mayo Clinic Laboratories, Mayo Clinic
Classification: Uncertain significance. Last evaluated: 2023-02-21. Review status: criteria provided, single submitter. Criteria: ACMG Guidelines, 2015. Collection method: clinical testing. Allele origin: germline. Observed: 1 variant allele.
Comment: BS2